The following is an entry in ClinVar:

ClinVar aggregate classification (germline): Benign/Likely benign. Review status: criteria provided, multiple submitters, no conflicts (2 of 4 stars). 7 submissions from 7 submitters: Benign (2); Likely benign (5). Last evaluated 2026-03-01.

Conditions:
Occipital pachygyria and polymicrogyria. Identifiers: Orphanet 280640, MedGen C3279875, MONDO:0013583, OMIM 614115.

Allele frequency attached by ClinVar (database versions not stated): gnomAD 0.00105 and 0.00117; TOPMed 0.00107; ESP Exome Variant Server 0.00154; gnomAD exomes 0.00164 and 0.00220; 1000 Genomes Project 30x 0.00172; 1000 Genomes Project 0.00200; ExAC 0.00221.
gnomAD v4.1: 3,355 of 1,613,358 alleles (0.21%); highest among the groups gnomAD compares: East Asian, 1.3%; 18 homozygotes.

Submissions (7):

CeGaT Center for Human Genetics Tuebingen
Classification: Benign. Last evaluated: 2026-03-01. Review status: criteria provided, single submitter. Criteria: CeGaT Center For Human Genetics Tuebingen Variant Classification Criteria Version 2. Collection method: clinical testing. Allele origin: germline. Affected: yes. Observed: 9 variant alleles.
Comment: LAMC3: BP4, BP7, BS1, BS2

Labcorp Genetics (formerly Invitae), Labcorp
Classification: Benign. Last evaluated: 2026-02-02. Review status: criteria provided, single submitter. Criteria: Invitae Variant Classification Sherloc (09022015). Collection method: clinical testing. Allele origin: germline.

Blueprint Genetics
Classification: Likely benign. Last evaluated: 2024-11-21. Review status: criteria provided, single submitter. Criteria: ACMG Guidelines, 2015. Collection method: clinical testing. Allele origin: germline.

Fulgent Genetics
Classification: Likely benign for Occipital pachygyria and polymicrogyria. Last evaluated: 2022-04-25. Review status: criteria provided, single submitter. Criteria: ACMG Guidelines, 2015. Collection method: clinical testing. Allele origin: unknown.

GeneDx
Classification: Likely benign. Last evaluated: 2020-10-10. Review status: criteria provided, single submitter. Criteria: GeneDx Variant Classification Process June 2021. Collection method: clinical testing. Allele origin: germline. Affected: yes.

Genetic Services Laboratory, University of Chicago
Classification: Likely benign. Last evaluated: 2017-02-27. Review status: criteria provided, single submitter. Criteria: ACMG Guidelines, 2015. Collection method: clinical testing. Allele origin: germline. Affected: no.

Breakthrough Genomics
Classification: Likely benign. Review status: criteria provided, single submitter. Criteria: ACMG Guidelines, 2015. Collection method: not provided. Allele origin: germline. Inheritance: Autosomal recessive inheritance. Affected: yes.

NM_006059.4(LAMC3):c.558C>T (p.Arg186=)

Gene: LAMC3 (laminin subunit gamma 3; plus strand). Cytogenetic location: 9q34.12.
Variant type: single nucleotide variant.
Coding change: c.558C>T on transcript NM_006059.4 (MANE Select); coding-DNA position 558, C replaced by T.
Protein change: p.Arg186=; no amino-acid change (arginine 186 retained).
Molecular consequence: synonymous variant.
Genome position (GRCh38, 1-based): chr9:131,026,469, C>T. VCF-style: chr9-131026469-C-T. GRCh37 (hg19) VCF-style: chr9-133901856-C-T.
Identifiers: ClinVar variation 378065 (VCV000378065.43), dbSNP rs2275135, ClinGen allele CA5286732.
Genomic context (GRCh38, chr9:131,026,469, plus strand): 5'-CTGCCAGAAGACCTACGGCCGGCCCGAGGGCCAGTACCTGCGCCCCGGCGAGGACGAGCG[C>T]GTGGCCTTCTGCACCTCTGAGTTCAGCGACATCTCCCCGCTGAGTGGCGGCAACGTGGCC-3'
Protein context (NP_006050.3, residues 176-196): GQYLRPGEDE[Arg186=]VAFCTSEFSD